The following is an entry in ClinVar:

ClinVar aggregate classification (germline): Pathogenic/Likely pathogenic. Review status: criteria provided, multiple submitters, no conflicts (2 of 4 stars). 7 submissions from 7 submitters: Pathogenic (4); Likely pathogenic (2). 1 of the submissions does not count toward it. Last evaluated 2025-08-07.

Conditions:
Muscular dystrophy, limb-girdle, autosomal recessive 23. Identifiers: Orphanet 565837, MedGen C4748327, MONDO:0029136, OMIM 618138.
Merosin deficient congenital muscular dystrophy (MDC1A). Also called: Congenital Muscular Dystrophy Type 1A (MDC1A); Congenital merosin-deficient muscular dystrophy 1A. Identifiers: Orphanet 258, MedGen C1263858, MONDO:0011925, OMIM 607855.
LAMA2-related muscular dystrophy (LAMA2-RD). Also called: Laminin alpha 2-related dystrophy. Identifiers: MedGen C5679788, MONDO:0100228.

Allele frequency attached by ClinVar (database versions not stated): TOPMed 0.00004; gnomAD 0.00006.
gnomAD v4.1: 16 of 1,598,826 alleles (0.001%); highest among the groups gnomAD compares: Admixed American, 0.013%; no homozygotes.

Submissions (7):

Labcorp Genetics (formerly Invitae), Labcorp
Classification: Pathogenic for LAMA2-related muscular dystrophy. Last evaluated: 2025-08-07. Review status: criteria provided, single submitter. Criteria: Invitae Variant Classification Sherloc (09022015). Collection method: clinical testing. Allele origin: germline.
Comment: This sequence change creates a premature translational stop signal (p.Arg434*) in the LAMA2 gene. It is expected to result in an absent or disrupted protein product. Loss-of-function variants in LAMA2 are known to be pathogenic (PMID: 18700894, 32904964). This variant is not present in population databases (gnomAD no frequency). This variant has not been reported in the literature in individuals affected with LAMA2-related conditions. ClinVar contains an entry for this variant (Variation ID: 477436). For these reasons, this variant has been classified as Pathogenic.

3billion
Classification: Pathogenic for Muscular dystrophy, limb-girdle, autosomal recessive 23. Last evaluated: 2025-05-26. Review status: criteria provided, single submitter. Criteria: ACMG Guidelines, 2015. Collection method: clinical testing. Allele origin: germline. Affected: yes.
Comment: The variant is observed at an extremely low frequency in the gnomAD v4.1.0 dataset (total allele frequency: 0.001%). Predicted Consequence/Location: Stop-gained (nonsense): predicted to result in a loss or disruption of normal protein function through nonsense-mediated decay (NMD) or protein truncation. Multiple pathogenic variants are reported downstream of the variant. The variant has been reported at least twice as pathogenic without evidence for the classification (ClinVar ID: VCV000477436 /PMID: 30293248). Therefore, this variant is classified as Pathogenic according to the recommendation of ACMG/AMP guideline.

Revvity Omics, Revvity
Classification: Likely pathogenic. Last evaluated: 2025-03-11. Review status: criteria provided, single submitter. Criteria: ACMG Guidelines, 2015. Collection method: clinical testing. Allele origin: germline.

Fulgent Genetics
Classification: Pathogenic for Merosin deficient congenital muscular dystrophy; Muscular dystrophy, limb-girdle, autosomal recessive 23. Last evaluated: 2024-01-10. Review status: criteria provided, single submitter. Criteria: ACMG Guidelines, 2015. Collection method: clinical testing. Allele origin: germline.

GeneDx
Classification: Likely pathogenic. Last evaluated: 2023-10-31. Review status: criteria provided, single submitter. Criteria: GeneDx Variant Classification Process June 2021. Collection method: clinical testing. Allele origin: germline. Affected: yes.
Comment: Nonsense variant predicted to result in protein truncation or nonsense mediated decay in a gene for which loss of function is a known mechanism of disease; Not observed at significant frequency in large population cohorts (gnomAD); This variant is associated with the following publications: (PMID: 30293248, 34602496, 34281576, 31066047)

Baylor Genetics
Classification: Pathogenic for Merosin deficient congenital muscular dystrophy. Last evaluated: 2023-10-04. Review status: criteria provided, single submitter. Criteria: ACMG Guidelines, 2015. Collection method: clinical testing. Allele origin: unknown.

Counsyl
Classification: Likely pathogenic for Merosin deficient congenital muscular dystrophy. Last evaluated: 2017-08-30. Review status: no assertion criteria provided. Collection method: clinical testing. Allele origin: unknown. Not counted in ClinVar's aggregate classification.

Literature cited by the submitters: PubMed 18700894 (cited by Labcorp Genetics (formerly Invitae), Labcorp); PubMed 32904964 (cited by Labcorp Genetics (formerly Invitae), Labcorp); PubMed 30293248 (cited by 3billion).

NM_000426.4(LAMA2):c.1300C>T (p.Arg434Ter)

Gene: LAMA2 (laminin subunit alpha 2; plus strand). Cytogenetic location: 6q22.33.
Variant type: single nucleotide variant.
Coding change: c.1300C>T on transcript NM_000426.4 (MANE Select); coding-DNA position 1300, C replaced by T.
Protein change: p.Arg434Ter; replaces arginine 434 with a stop codon.
Molecular consequence: nonsense.
Genome position (GRCh38, 1-based): chr6:129,165,669, C>T. VCF-style: chr6-129165669-C-T. GRCh37 (hg19) VCF-style: chr6-129486814-C-T.
Other names: c.1300C>T, p.Arg434Ter (NM_001079823.2); short protein forms R434*.
Identifiers: ClinVar variation 477436 (VCV000477436.17), dbSNP rs1374568851, ClinGen allele CA365607367.